The following is an entry in ClinVar:

ClinVar aggregate classification (germline): Benign. Review status: criteria provided, multiple submitters, no conflicts (2 of 4 stars). 2 submissions from 2 submitters: Benign (2). Last evaluated 2018-06-14.

Allele frequency attached by ClinVar (database versions not stated): gnomAD 0.29774 and 0.30409; TOPMed 0.32350; 1000 Genomes Project 30x 0.43973; 1000 Genomes Project 0.44489.
gnomAD v4.1: 361,286 of 1,487,242 alleles (24%); highest among the groups gnomAD compares: East Asian, 65%; 51,929 homozygotes.

Submissions (2):

GeneDx
Classification: Benign. Last evaluated: 2018-06-14. Review status: criteria provided, single submitter. Criteria: GeneDx Variant Classification (06012015). Collection method: clinical testing. Allele origin: germline. Affected: yes.
Comment: This variant is considered likely benign or benign based on one or more of the following criteria: it is a conservative change, it occurs at a poorly conserved position in the protein, it is predicted to be benign by multiple in silico algorithms, and/or has population frequency not consistent with disease.

Breakthrough Genomics
Classification: Benign. Review status: criteria provided, single submitter. Criteria: ACMG Guidelines, 2015. Collection method: not provided. Allele origin: germline. Inheritance: Autosomal recessive inheritance. Affected: yes.

NM_001267550.2(TTN):c.27886+75T>A

Gene: TTN (titin; minus strand). Cytogenetic location: 2q31.2.
Variant type: single nucleotide variant.
Coding change: c.27886+75T>A on transcript NM_001267550.2 (MANE Select); 75 bases into the intron after coding-DNA position 27886, T replaced by A.
Molecular consequence: intron variant.
Genome position (GRCh38, 1-based): chr2:178,711,869, A>T on the plus strand (T>A on the coding strand, the complement: TTN is on the minus strand). VCF-style: chr2-178711869-A-T. GRCh37 (hg19) VCF-style: chr2-179576596-A-T.
Other names: c.13282+26213T>A (NM_003319.4); c.13858+26213T>A (NM_133437.4); c.13657+26213T>A (NM_133432.3); c.24154+75T>A (NM_133378.4); c.26935+75T>A (NM_001256850.1).
Identifiers: ClinVar variation 672571 (VCV000672571.2), dbSNP rs2742331, ClinGen allele CA11091754.